The following is an entry in ClinVar:

NM_001242957.3(MAK):c.1908G>A (p.Gly636=)

Gene: MAK (male germ cell associated kinase; minus strand). Cytogenetic location: 6p24.2.
Variant type: single nucleotide variant.
Coding change: c.1908G>A on transcript NM_001242957.3 (MANE Select); coding-DNA position 1908, G replaced by A.
Protein change: p.Gly636=; no amino-acid change (glycine 636 retained).
Molecular consequence: synonymous variant. On other transcripts: non-coding transcript variant (2).
Genome position (GRCh38, 1-based): chr6:10,764,491, C>T on the plus strand (G>A on the coding strand, the complement: MAK is on the minus strand). VCF-style: chr6-10764491-C-T. GRCh37 (hg19) VCF-style: chr6-10764724-C-T.
Other names: c.1908G>A (NM_001242957.2); c.1713G>A, p.Gly571= (NM_001242385.2); c.1611G>A, p.Gly537= (NM_001377262.1); c.1833G>A, p.Gly611= (NM_005906.6).
Identifiers: ClinVar variation 1121179 (VCV001121179.10), dbSNP rs537862624, ClinGen allele CA3633308.
Genomic context (GRCh38, chr6:10,764,491, plus strand): 5'-AGGGTTTCACACCATAGACTCCTACCGGTGGCCTCCATACTTGGCCACCCAGTCTGTCCT[C>T]CCATGCACTGAGGGAATGGGCTGTGCACGGTTCACAATATTTAGGTTTTTTGCTGTAGGA-3'
Protein context (NP_001229886.1, residues 626-646): NRAQPIPSVH[Gly636=]RTDWVAKYGG

ClinVar aggregate classification (germline): Likely benign. Review status: criteria provided, multiple submitters, no conflicts (2 of 4 stars). 2 submissions from 2 submitters: Likely benign (2). Last evaluated 2026-01-28.

Conditions:
MAK-related disorder. Also called: MAK-related condition.

Allele frequency attached by ClinVar (database versions not stated): 1000 Genomes Project 0.00060; 1000 Genomes Project 30x 0.00062; gnomAD 0.00001 and 0.00003; gnomAD exomes 0.00004; ExAC 0.00006.
gnomAD v4.1: 16 of 1,614,046 alleles (0.00099%); highest among the groups gnomAD compares: East Asian, 0.029%; no homozygotes.

Submissions (2):

Labcorp Genetics (formerly Invitae), Labcorp
Classification: Likely benign. Last evaluated: 2026-01-28. Review status: criteria provided, single submitter. Criteria: Invitae Variant Classification Sherloc (09022015). Collection method: clinical testing. Allele origin: germline.

PreventionGenetics, part of Exact Sciences
Classification: Likely benign for MAK-related condition. Last evaluated: 2025-04-28. Review status: criteria provided, single submitter. Criteria: ACMG Guidelines, 2015. Collection method: clinical testing. Allele origin: germline.
Comment: This variant is classified as likely benign based on ACMG/AMP sequence variant interpretation guidelines (Richards et al. 2015 PMID: 25741868, with internal and published modifications).